The following is an entry in ClinVar:

NM_000334.4(SCN4A):c.5156C>A (p.Thr1719Asn)

Genes: GH-LCR (growth hormone locus control region; plus strand), SCN4A (sodium voltage-gated channel alpha subunit 4; minus strand). Cytogenetic location: 17q23.3.
Variant type: single nucleotide variant.
Coding change: c.5156C>A on transcript NM_000334.4 (MANE Select); coding-DNA position 5156, C replaced by A.
Protein change: p.Thr1719Asn; replaces threonine 1719 with asparagine.
Molecular consequence: missense variant.
Genome position (GRCh38, 1-based): chr17:63,941,126, G>T on the plus strand (C>A on the coding strand, the complement: SCN4A is on the minus strand). VCF-style: chr17-63941126-G-T. GRCh37 (hg19) VCF-style: chr17-62018486-G-T.
Other names: short protein forms T1719N.
Identifiers: ClinVar variation 3582632 (VCV003582632.2).

ClinVar aggregate classification (germline): Uncertain significance. Review status: criteria provided, multiple submitters, no conflicts (2 of 4 stars). 2 submissions from 2 submitters: Uncertain significance (2). Last evaluated 2025-06-01.

Conditions:
Congenital myopathy 22A, classic (CMYO22A). Identifiers: MedGen C5830453, MONDO:0957247, OMIM 620351.
Hypokalemic periodic paralysis, type 2 (HOKPP2). Identifiers: Orphanet 681, MedGen C2750061, MONDO:0013234, OMIM 613345.
Hyperkalemic periodic paralysis. Also called: Gamstorp disease; Familial hyperkalemic periodic paralysis. Identifiers: Orphanet 682, MedGen C0238357, MONDO:0008224, OMIM 170500, HP:0007215.
Congenital myopathy 22B, severe fetal (CMYO22B). Identifiers: MedGen C5830501, MONDO:0957265, OMIM 620369.
Congenital myasthenic syndrome 16. Identifiers: Orphanet 590, MedGen C3280112, MONDO:0013620, OMIM 614198.
Potassium-aggravated myotonia. Also called: MYOTONIA CONGENITA, ACETAZOLAMIDE-RESPONSIVE; MYOTONIA CONGENITA, ATYPICAL; SODIUM CHANNEL MUSCLE DISEASE; Myotonia congenita, atypical, acetazolamide-responsive. Identifiers: Orphanet 612, Orphanet 99734, Orphanet 99735, Orphanet 99736, MedGen C2931826, MONDO:0018959, OMIM 608390.
Paramyotonia congenita of Von Eulenburg. Also called: PARALYSIS PERIODICA PARAMYOTONICA; Eulenburg disease; Myotonia congenita intermittens; Von Eulenburg paramyotonia congenita; Paramyotonia Congenita. Identifiers: Orphanet 684, MedGen C0221055, MONDO:0008195, OMIM 168300. Disease mechanism: loss of function.

gnomAD v4.1: 6 of 1,613,940 alleles (0.00037%); highest among the groups gnomAD compares: Non-Finnish European, 0.00042%; no homozygotes.

Submissions (2):

GeneDx
Classification: Uncertain significance. Last evaluated: 2025-06-01. Review status: criteria provided, single submitter. Criteria: GeneDx Variant Classification Process June 2021. Collection method: clinical testing. Allele origin: germline. Affected: yes.
Comment: Not observed at significant frequency in large population cohorts (gnomAD); In silico analysis supports that this missense variant has a deleterious effect on protein structure/function; Has not been previously published as pathogenic or benign to our knowledge

Fulgent Genetics
Classification: Uncertain significance for Paramyotonia congenita of Von Eulenburg; Hyperkalemic periodic paralysis; Potassium-aggravated myotonia; Hypokalemic periodic paralysis, type 2; Congenital myasthenic syndrome 16; Congenital myopathy 22A, classic; Congenital myopathy 22B, severe fetal. Last evaluated: 2024-03-22. Review status: criteria provided, single submitter. Criteria: ACMG Guidelines, 2015. Collection method: clinical testing. Allele origin: germline.